The following is an entry in ClinVar:

ClinVar aggregate classification (germline): Uncertain significance (1 of 4 stars; one submission).

Conditions:
Inborn genetic diseases. Identifiers: MedGen C0950123, MeSH D030342.

Submission:

Ambry Genetics
Classification: Uncertain significance for Inborn genetic diseases. Last evaluated: 2026-08-20. Review status: criteria provided, single submitter. Criteria: Ambry Variant Classification Scheme 2023. Collection method: clinical testing. Allele origin: germline.
Comment: The c.1868T>C (p.F623S) alteration is located in exon 6 (coding exon 5) of the NR3C1 gene. This alteration results from a T to C substitution at nucleotide position 1868, causing the phenylalanine (F) at amino acid position 623 to be replaced by a serine (S). This variant was not reported in population-based cohorts in the Genome Aggregation Database (gnomAD). This amino acid position is highly conserved in available vertebrate species. This missense variant is located in a region that has a low rate of benign missense variation (Lek, 2016; Firth, 2009). This alteration is predicted to be deleterious by in silico analysis. Based on insufficient or conflicting evidence, the clinical significance of this alteration remains unclear.

NM_000176.3(NR3C1):c.1868T>C (p.Phe623Ser)

Gene: NR3C1 (nuclear receptor subfamily 3 group C member 1; minus strand). Cytogenetic location: 5q31.3.
Variant type: single nucleotide variant.
Coding change: c.1868T>C on transcript NM_000176.3 (MANE Select); coding-DNA position 1868, T replaced by C.
Protein change: p.Phe623Ser; replaces phenylalanine 623 with serine.
Molecular consequence: missense variant. On other transcripts: non-coding transcript variant (1).
Genome position (GRCh38, 1-based): chr5:143,298,692, A>G on the plus strand (T>C on the coding strand, the complement: NR3C1 is on the minus strand). VCF-style: chr5-143298692-A-G. GRCh37 (hg19) VCF-style: chr5-142678257-A-G.
Other names: c.1577T>C, p.Phe526Ser (NM_001204261.2); c.923T>C, p.Phe308Ser (NM_001204262.2); c.878T>C, p.Phe293Ser (NM_001204263.2); c.863T>C, p.Phe288Ser (NM_001204264.2); c.1868T>C, p.Phe623Ser (NM_001204265.2, NM_001364180.2, NM_001364181.2 and 6 more transcripts); c.1871T>C, p.Phe624Ser (NM_001364183.2, NM_001364184.2, NM_001024094.2 and 1 more transcripts); c.1790T>C, p.Phe597Ser (NM_001204258.2); c.1613T>C, p.Phe538Ser (NM_001204259.2); and 1 more; short protein forms F288S, F293S, F623S, F526S, F538S, F597S, F624S, F534S.
Identifiers: ClinVar variation 5025853 (VCV005025853.1).